The following is an entry in ClinVar:

NM_024685.4(BBS10):c.1010AAG[1] (p.Glu338del)

Gene: BBS10 (Bardet-Biedl syndrome 10; minus strand). Cytogenetic location: 12q21.2.
Variant type: Microsatellite.
Coding change: c.1010AAG[1] on transcript NM_024685.4 (MANE Select); one copy of the 3-base unit AAG starting at c.1010; the reference has two copies in a row; one copy, 3 bases deleted; also written c.1013_1015del.
Protein change: p.Glu338del; deletes glutamic acid 338.
Molecular consequence: inframe deletion.
Genome position (GRCh38, 1-based): chr12:76,346,970-76,346,972, CTT deleted on the plus strand (AAG on the coding strand, the reverse complement: BBS10 is on the minus strand); deleting any 3 consecutive bases within chr12:76,346,970-76,346,977 gives the same sequence; the position shown is the placement nearest the transcript's 3' end. VCF-style (leftmost placement, unchanged base first): chr12-76346969-ACTT-A. GRCh37 (hg19) VCF-style: chr12-76740749-ACTT-A.
Other names: c.1013_1015del (NM_024685.4); c.1013_1015delAAG (NM_024685.3); short protein forms E338del.
Identifiers: ClinVar variation 854040 (VCV000854040.13), dbSNP rs750611000, ClinGen allele CA6694246.

ClinVar aggregate classification (germline): Conflicting classifications of pathogenicity. Review status: criteria provided, conflicting classifications (1 of 4 stars). 5 submissions from 5 submitters: Likely pathogenic (2); Uncertain significance (1). 2 of the submissions do not count toward it. Last evaluated 2024-01-02.

Conditions:
Bardet-Biedl syndrome 10 (BBS10). Identifiers: Orphanet 110, MedGen C1859568, MONDO:0014438, OMIM 615987.
BBS10-related disorder. Also called: BBS10-related condition.
Bardet-Biedl syndrome (BBS). Identifiers: Orphanet 110, MedGen C0752166, MONDO:0015229.
Retinal dystrophy. Also called: Inherited retinal dystrophy. Identifiers: Orphanet 71862, MedGen C0854723, MeSH D058499, MONDO:0019118, HP:0000556.

Submissions (5):

Fulgent Genetics
Classification: Likely pathogenic for Bardet-Biedl syndrome 10. Last evaluated: 2024-01-02. Review status: criteria provided, single submitter. Criteria: ACMG Guidelines, 2015. Collection method: clinical testing. Allele origin: germline.

Labcorp Genetics (formerly Invitae), Labcorp
Classification: Likely pathogenic for Bardet-Biedl syndrome. Last evaluated: 2023-07-29. Review status: criteria provided, single submitter. Criteria: Invitae Variant Classification Sherloc (09022015). Collection method: clinical testing. Allele origin: germline.
Comment: This variant, c.1013_1015del, results in the deletion of 1 amino acid(s) of the BBS10 protein (p.Glu338del), but otherwise preserves the integrity of the reading frame. This variant is present in population databases (rs750611000, gnomAD 0.006%). This variant has been observed in individual(s) with Bardet-Biedl syndrome (PMID: 24611592; Invitae). In at least one individual the data is consistent with being in trans (on the opposite chromosome) from a pathogenic variant. ClinVar contains an entry for this variant (Variation ID: 854040). Experimental studies and prediction algorithms are not available or were not evaluated, and the functional significance of this variant is currently unknown. In summary, the currently available evidence indicates that the variant is pathogenic, but additional data are needed to prove that conclusively. Therefore, this variant has been classified as Likely Pathogenic.

Institute of Human Genetics, Univ. Regensburg, Univ. Regensburg
Classification: Uncertain significance for Retinal dystrophy. Last evaluated: 2022-01-01. Review status: criteria provided, single submitter. Criteria: ACMG Guidelines, 2015. Collection method: clinical testing. Allele origin: germline. Affected: yes.

PreventionGenetics, part of Exact Sciences
Classification: Likely pathogenic for BBS10-related condition. Last evaluated: 2024-05-31. Review status: no assertion criteria provided. Collection method: clinical testing. Allele origin: germline. Not counted in ClinVar's aggregate classification.
Comment: The BBS10 c.1013_1015delAAG variant is predicted to result in an in-frame deletion (p.Glu338del). This variant was reported in the compound heterozygous state in an individual with Bardet-Biedl syndrome (Patient RP1172 in Alvarez-Satta et al 2014. PubMed ID: 24611592, variant referred to as c.1009_1011delGAA p.Glu337del). This variant is reported in 0.0058% of alleles in individuals of Latino descent in gnomAD. This variant is interpreted as likely pathogenic.

Natera, Inc.
Classification: Uncertain significance for Bardet-Biedl syndrome type 10. Last evaluated: 2020-10-02. Review status: no assertion criteria provided. Collection method: clinical testing. Allele origin: germline. Not counted in ClinVar's aggregate classification.

Literature cited by the submitters: PubMed 24611592 (cited by Labcorp Genetics (formerly Invitae), Labcorp and Institute of Human Genetics, Univ. Regensburg, Univ. Regensburg); PubMed 31964843 (cited by Institute of Human Genetics, Univ. Regensburg, Univ. Regensburg); PubMed 35835773 (cited by Institute of Human Genetics, Univ. Regensburg, Univ. Regensburg).